The following is an entry in ClinVar:

NM_000550.3(TYRP1):c.727T>C (p.Ser243Pro)

Gene: TYRP1 (tyrosinase related protein 1; plus strand). Cytogenetic location: 9p23.
Variant type: single nucleotide variant.
Coding change: c.727T>C on transcript NM_000550.3 (MANE Select); coding-DNA position 727, T replaced by C.
Protein change: p.Ser243Pro; replaces serine 243 with proline.
Molecular consequence: missense variant.
Genome position (GRCh38, 1-based): chr9:12,698,469, T>C. VCF-style: chr9-12698469-T-C. GRCh37 (hg19) VCF-style: chr9-12698469-T-C.
Other names: short protein forms S243P.
Identifiers: ClinVar variation 1391449 (VCV001391449.3), dbSNP rs1298587071, ClinGen allele CA372939304.

ClinVar aggregate classification (germline): Uncertain significance (1 of 4 stars; one submission).

Allele frequency attached by ClinVar (database versions not stated): gnomAD 0.00001; gnomAD exomes below 0.00001; TOPMed 0.00001.
gnomAD v4.1: 3 of 1,613,570 alleles (0.00019%); highest among the groups gnomAD compares: Admixed American, 0.005%; no homozygotes.

Submission:

Labcorp Genetics (formerly Invitae), Labcorp
Classification: Uncertain significance. Last evaluated: 2022-10-24. Review status: criteria provided, single submitter. Criteria: Invitae Variant Classification Sherloc (09022015). Collection method: clinical testing. Allele origin: germline.
Comment: This sequence change replaces serine, which is neutral and polar, with proline, which is neutral and non-polar, at codon 243 of the TYRP1 protein (p.Ser243Pro). This variant is present in population databases (no rsID available, gnomAD 0.003%). This missense change has been observed in individual(s) with ocular albinism (Invitae). ClinVar contains an entry for this variant (Variation ID: 1391449). Advanced modeling of protein sequence and biophysical properties (such as structural, functional, and spatial information, amino acid conservation, physicochemical variation, residue mobility, and thermodynamic stability) performed at Invitae indicates that this missense variant is not expected to disrupt TYRP1 protein function. In summary, the available evidence is currently insufficient to determine the role of this variant in disease. Therefore, it has been classified as a Variant of Uncertain Significance.